The following is an entry in ClinVar:

ClinVar aggregate classification (germline): Benign/Likely benign. Review status: criteria provided, multiple submitters, no conflicts (2 of 4 stars). 6 submissions from 6 submitters: Benign (5); Likely benign (1). Last evaluated 2026-01-26.

Conditions:
Cardiovascular phenotype. Identifiers: MedGen CN230736.
Capillary malformation-arteriovenous malformation syndrome. Also called: Capillary malformation-arteriovenous malformation. Identifiers: Orphanet 137667, MedGen C1842180, MONDO:0012016.
Capillary malformation-arteriovenous malformation 1 (CMAVM1). Identifiers: Orphanet 137667, Orphanet 693907, MedGen C4747394, MONDO:0020783, OMIM 608354.

Allele frequency attached by ClinVar (database versions not stated): gnomAD 0.00045 and 0.00002; 1000 Genomes Project 0.00260; gnomAD exomes 0.00071 and 0.00150; ExAC 0.00179; 1000 Genomes Project 30x 0.00219; TOPMed 0.00007.
gnomAD v4.1: 1,110 of 1,613,786 alleles (0.069%); highest among the groups gnomAD compares: South Asian, 1.1%; 18 homozygotes.

Submissions (6):

Labcorp Genetics (formerly Invitae), Labcorp
Classification: Benign for Capillary malformation-arteriovenous malformation syndrome. Last evaluated: 2026-01-26. Review status: criteria provided, single submitter. Criteria: Invitae Variant Classification Sherloc (09022015). Collection method: clinical testing. Allele origin: germline.

Ambry Genetics
Classification: Benign for Cardiovascular phenotype. Last evaluated: 2024-12-20. Review status: criteria provided, single submitter. Criteria: Ambry Variant Classification Scheme 2023. Collection method: clinical testing. Allele origin: germline.

GeneDx
Classification: Likely benign. Last evaluated: 2020-09-01. Review status: criteria provided, single submitter. Criteria: GeneDx Variant Classification Process June 2021. Collection method: clinical testing. Allele origin: germline. Affected: yes.
Comment: See Variant Classification Assertion Criteria.

Mendelics
Classification: Benign for Capillary malformation-arteriovenous malformation 1. Last evaluated: 2019-05-28. Review status: criteria provided, single submitter. Criteria: Mendelics Assertion Criteria 2017. Collection method: clinical testing. Allele origin: unknown.

Illumina Laboratory Services, Illumina
Classification: Benign for Capillary malformation-arteriovenous malformation 1. Last evaluated: 2017-09-01. Review status: criteria provided, single submitter. Criteria: ICSL Variant Classification Criteria 13 December 2019. Collection method: clinical testing. Allele origin: germline.
Comment: This variant was observed as part of a predisposition screen in an ostensibly healthy population. A literature search was performed for the gene, cDNA change, and amino acid change (where applicable). Publications were found based on this search. The evidence from the literature, in combination with allele frequency data from public databases where available, was sufficient to rule this variant out of causing disease. Therefore, this variant is classified as benign.

Broad Center for Mendelian Genomics, Broad Institute of MIT and Harvard
Classification: Benign for Capillary malformation-arteriovenous malformation 1. Review status: criteria provided, single submitter. Criteria: ACMG Guidelines, 2015. Collection method: research. Allele origin: germline. Inheritance: Autosomal dominant inheritance. Affected: yes.
Comment: The heterozygous p.Glu763Val variant in RASA1 has been identified in an individual with multifocal capillary malformations, arteriovenous malformations, vein of Galen aneurysmal malformation, cardiac failure, and epilepsy and who died shortly after birth (PMID: 18446851). This variant may have been inherited de novo (PMID: 18446851). However, this variant has been identified in >1% of South Asian chromosomes and 7 homozygotes by ExAC. In summary, this variant meets criteria to be classified as benign for autosomal dominant capillary malformation-arteriovenous malformation.

Literature cited by the submitters: PubMed 18446851 (cited by 3 submitters); PubMed 24038909 (cited by Ambry Genetics and Illumina Laboratory Services, Illumina); PubMed 27535533 (cited by Illumina Laboratory Services, Illumina).

NM_002890.3(RASA1):c.2288A>T (p.Glu763Val)

Genes: CCNH (cyclin H; minus strand), RASA1 (RAS p21 protein activator 1; plus strand). Cytogenetic location: 5q14.3.
Variant type: single nucleotide variant.
Coding change: c.2288A>T on transcript NM_002890.3 (MANE Select); coding-DNA position 2288, A replaced by T.
Protein change: p.Glu763Val; replaces glutamic acid 763 with valine.
Molecular consequence: missense variant. On other transcripts: intron variant (1).
Genome position (GRCh38, 1-based): chr5:87,376,984, A>T. VCF-style: chr5-87376984-A-T. GRCh37 (hg19) VCF-style: chr5-86672801-A-T.
Other names: c.1757A>T, p.Glu586Val (NM_022650.3); c.933+18060T>A (NM_001364075.2); short protein forms E763V, E586V.
Identifiers: ClinVar variation 695889 (VCV000695889.19), dbSNP rs373098580, ClinGen allele CA3335960.